The following is an entry in ClinVar:

NM_004466.6(GPC5):c.1611A>G (p.Thr537=)

Gene: GPC5 (glypican 5; plus strand). Cytogenetic location: 13q31.3.
Variant type: single nucleotide variant.
Coding change: c.1611A>G on transcript NM_004466.6 (MANE Select); coding-DNA position 1611, A replaced by G.
Protein change: p.Thr537=; no amino-acid change (threonine 537 retained).
Molecular consequence: synonymous variant.
Genome position (GRCh38, 1-based): chr13:92,866,331, A>G. VCF-style: chr13-92866331-A-G. GRCh37 (hg19) VCF-style: chr13-93518584-A-G.
Identifiers: ClinVar variation 3389938 (VCV003389938.14).

ClinVar aggregate classification (germline): Likely benign (1 of 4 stars; one submission).

Submission:

CeGaT Center for Human Genetics Tuebingen
Classification: Likely benign. Last evaluated: 2024-10-01. Review status: criteria provided, single submitter. Criteria: CeGaT Center For Human Genetics Tuebingen Variant Classification Criteria Version 2. Collection method: clinical testing. Allele origin: germline. Affected: yes. Observed: 1 variant allele.
Comment: GPC5: PM2:Supporting, BP4, BP7